The following is an entry in ClinVar:

NM_001034850.2(RETREG1):c.-45_-44CG[4]

Genes: RETREG1 (reticulophagy regulator 1; minus strand), RETREG1-AS1 (RETREG1 antisense RNA 1; plus strand), LOC129993734 (ATAC-STARR-seq lymphoblastoid silent region 15947; plus strand). Cytogenetic location: 5p15.1.
Variant type: Microsatellite.
Coding change: c.-45_-44CG[4] on transcript NM_001034850.2.
Genome position: GRCh38 VCF-style: chr5-16617005-GGC-G. GRCh37 (hg19) VCF-style: chr5-16617114-GGC-G.
Other names: c.-36_-35delGC (NM_001034850.2).
Identifiers: ClinVar variation 506567 (VCV000506567.3), dbSNP rs1232262597, ClinGen allele CA558342166.

ClinVar aggregate classification (germline): Likely benign (1 of 4 stars; one submission).

Submission:

GeneDx
Classification: Likely benign. Last evaluated: 2017-10-25. Review status: criteria provided, single submitter. Criteria: GeneDx Variant Classification (06012015). Collection method: clinical testing. Allele origin: germline. Affected: yes.
Comment: This variant is considered likely benign or benign based on one or more of the following criteria: it is a conservative change, it occurs at a poorly conserved position in the protein, it is predicted to be benign by multiple in silico algorithms, and/or has population frequency not consistent with disease.